The following is an entry in ClinVar:

ClinVar aggregate classification (germline): Uncertain significance. Review status: criteria provided, multiple submitters, no conflicts (2 of 4 stars). 2 submissions from 2 submitters: Uncertain significance (2). Last evaluated 2025-12-04.

Conditions:
Hypertrophic cardiomyopathy 14. Identifiers: MedGen C2750467, MONDO:0013197, OMIM 613251.
Cardiovascular phenotype. Identifiers: MedGen CN230736.

Allele frequency attached by ClinVar (database versions not stated): TOPMed 0.00001.
gnomAD v4.1: 17 of 1,604,024 alleles (0.0011%); highest among the groups gnomAD compares: Non-Finnish European, 0.0014%; no homozygotes.

Submissions (2):

Ambry Genetics
Classification: Uncertain significance for Cardiovascular phenotype. Last evaluated: 2025-12-04. Review status: criteria provided, single submitter. Criteria: Ambry Variant Classification Scheme 2023. Collection method: clinical testing. Allele origin: germline.

Labcorp Genetics (formerly Invitae), Labcorp
Classification: Uncertain significance for Hypertrophic cardiomyopathy 14. Last evaluated: 2025-03-04. Review status: criteria provided, single submitter. Criteria: Invitae Variant Classification Sherloc (09022015). Collection method: clinical testing. Allele origin: germline.
Comment: This sequence change replaces isoleucine, which is neutral and non-polar, with methionine, which is neutral and non-polar, at codon 1163 of the MYH6 protein (p.Ile1163Met). This variant is present in population databases (no rsID available, gnomAD 0.007%). This variant has not been reported in the literature in individuals affected with MYH6-related conditions. ClinVar contains an entry for this variant (Variation ID: 1521504). Invitae Evidence Modeling of protein sequence and biophysical properties (such as structural, functional, and spatial information, amino acid conservation, physicochemical variation, residue mobility, and thermodynamic stability) indicates that this missense variant is not expected to disrupt MYH6 protein function with a negative predictive value of 80%. In summary, the available evidence is currently insufficient to determine the role of this variant in disease. Therefore, it has been classified as a Variant of Uncertain Significance.

NM_002471.4(MYH6):c.3489C>G (p.Ile1163Met)

Gene: MYH6 (myosin heavy chain 6; minus strand). Cytogenetic location: 14q11.2.
Variant type: single nucleotide variant.
Coding change: c.3489C>G on transcript NM_002471.4 (MANE Select); coding-DNA position 3489, C replaced by G.
Protein change: p.Ile1163Met; replaces isoleucine 1163 with methionine.
Molecular consequence: missense variant.
Genome position (GRCh38, 1-based): chr14:23,390,300, G>C on the plus strand (C>G on the coding strand, the complement: MYH6 is on the minus strand). VCF-style: chr14-23390300-G-C. GRCh37 (hg19) VCF-style: chr14-23859509-G-C.
Other names: short protein forms I1163M.
Identifiers: ClinVar variation 1521504 (VCV001521504.9), dbSNP rs764540332, ClinGen allele CA389006205.
Genomic context (GRCh38, chr14:23,390,300, plus strand): 5'-GGCCTCCTCCAGGTCCCGCCGCATCTTCTGGAACTCGGCCTCGCGCTTCTTGTTCATCTC[G>C]ATCTGCACGGACGTGGCCCCGCCGGCCTCTTCCAGCCGCTCGCTGATCTCCTCCAGCTCC-3'
Protein context (NP_002462.2, residues 1153-1173): EEAGGATSVQ[Ile1163Met]EMNKKREAEF